The following is an entry in ClinVar:

NM_052947.4(ALPK2):c.4658T>C (p.Leu1553Pro)

Genes: ALPK2 (alpha kinase 2; minus strand), LOC126862764 (BRD4-independent group 4 enhancer GRCh37_chr18:56202574-56203773; plus strand). Cytogenetic location: 18q21.31.
Variant type: single nucleotide variant.
Coding change: c.4658T>C on transcript NM_052947.4 (MANE Select); coding-DNA position 4658, T replaced by C.
Protein change: p.Leu1553Pro; replaces leucine 1553 with proline.
Molecular consequence: missense variant.
Genome position (GRCh38, 1-based): chr18:58,535,529, A>G on the plus strand (T>C on the coding strand, the complement: ALPK2 is on the minus strand). VCF-style: chr18-58535529-A-G. GRCh37 (hg19) VCF-style: chr18-56202761-A-G.
Other names: short protein forms L1553P.
Identifiers: ClinVar variation 1742217 (VCV001742217.2), dbSNP rs2051639849, ClinGen allele CA402560589.
Genomic context (GRCh38, chr18:58,535,529, plus strand): 5'-ACTATGTCATTTTCAGGGACGTCATGAATTTGGCCTGTGGAGTTGTGCGTGTCAACCCCA[A>G]GAGAAGCGTGAGTCATTATTGGAAGACAACTAGAAAGAGGTGAAGTGGGGGAAATCAATT-3'
Protein context (NP_443179.3, residues 1543-1563): SCLPIMTHAS[Leu1553Pro]GVDTHNSTGQ

ClinVar aggregate classification (germline): Uncertain significance (1 of 4 stars; one submission).

Allele frequency attached by ClinVar (database versions not stated): TOPMed below 0.00001; gnomAD 0.00001.
gnomAD v4.1: 1 of 1,614,054 alleles (0.000062%); highest among the groups gnomAD compares: Admixed American, 0.0017%; no homozygotes.

Submission:

Ambry Genetics
Classification: Uncertain significance. Last evaluated: 2022-07-01. Review status: criteria provided, single submitter. Criteria: Ambry Variant Classification Scheme 2023. Collection method: clinical testing. Allele origin: germline.
Comment: The p.L1553P variant (also known as c.4658T>C), located in coding exon 4 of the ALPK2 gene, results from a T to C substitution at nucleotide position 4658. The leucine at codon 1553 is replaced by proline, an amino acid with similar properties. This amino acid position is conserved. In addition, this alteration is predicted to be tolerated by in silico analysis. Since supporting evidence is limited at this time, the clinical significance of this alteration remains unclear.